The following is an entry in ClinVar:

NM_001035.3(RYR2):c.4015del (p.Ala1339fs)

Genes: RYR2 (ryanodine receptor 2; plus strand), LOC126806067 (BRD4-independent group 4 enhancer GRCh37_chr1:237753258-237754457; plus strand). Cytogenetic location: 1q43.
Variant type: Deletion.
Coding change: c.4015del on transcript NM_001035.3 (MANE Select); coding-DNA position 4015, one base deleted (G; older notation c.4015delG).
Protein change: p.Ala1339fs; shifts the reading frame from alanine 1339.
Molecular consequence: frameshift variant.
Genome position (GRCh38, 1-based): chr1:237,590,847, G deleted. VCF-style (leftmost placement, unchanged base first): chr1-237590846-TG-T. GRCh37 (hg19) VCF-style: chr1-237754146-TG-T.
Other names: short protein forms A1339fs.
Identifiers: ClinVar variation 928104 (VCV000928104.3), dbSNP rs1675077361, ClinGen allele CA1139655549.

ClinVar aggregate classification (germline): Uncertain significance (1 of 4 stars; one submission).

Conditions:
Cardiomyopathy (CMYO). Also called: Cardiomyopathies. Identifiers: Orphanet 167848, MedGen C0878544, MONDO:0004994, HP:0001638. Inheritance: Various modes of inheritance.

Submission:

Color Diagnostics, LLC DBA Color Health
Classification: Uncertain significance for Cardiomyopathy. Last evaluated: 2020-01-17. Review status: criteria provided, single submitter. Criteria: ACMG Guidelines, 2015. Collection method: clinical testing. Allele origin: germline.
Comment: This variant deletes 1 nucleotide in exon 31 of the RYR2 gene, creating a frameshift and premature translation stop signal. This variant is expected to result in an absent or non-functional protein product. To our knowledge, this variant has not been reported in individuals affected with cardiovascular disorders in the literature. This variant has not been identified in the general population by the Genome Aggregation Database (gnomAD). Clinical significance of loss-of-function variants in the DSC2 gene is not clearly established. The available evidence is insufficient to determine the role of this variant in disease conclusively. Therefore, this variant is classified as a Variant of Uncertain Significance.